The following is an entry in ClinVar:

NM_000377.3(WAS):c.1203del (p.Pro402fs)

Gene: WAS (WASP actin nucleation promoting factor; plus strand). Cytogenetic location: Xp11.23.
Variant type: Deletion.
Coding change: c.1203del on transcript NM_000377.3 (MANE Select); coding-DNA position 1203, one base deleted (A; older notation c.1203delA).
Protein change: p.Pro402fs; shifts the reading frame from proline 402.
Molecular consequence: frameshift variant.
Genome position (GRCh38, 1-based): chrX:48,688,931, A deleted. VCF-style (leftmost placement, unchanged base first): chrX-48688930-CA-C. GRCh37 (hg19) VCF-style: chrX-48547319-CA-C.
Other names: short protein forms P402fs.
Identifiers: ClinVar variation 2113185 (VCV002113185.4), dbSNP rs2519287822, ClinGen allele CA2580101064.

ClinVar aggregate classification (germline): Pathogenic (1 of 4 stars; one submission).

Conditions:
Wiskott-Aldrich syndrome (WAS). Also called: ALDRICH SYNDROME; IMMUNODEFICIENCY 2; WISKOTT-ALDRICH SYNDROME 1; Wiskott-aldrich syndrome, somatic. Identifiers: Orphanet 906, MedGen C0043194, MONDO:0010518, OMIM 301000.
Thrombocytopenia 1. Also called: X-Linked Thrombocytopenia (XLT); THROMBOCYTOPENIA, X-LINKED, 1; X-linked thrombocytopenia with normal platelets. Identifiers: Orphanet 268322, Orphanet 852, MedGen C1839163, MONDO:0010743, OMIM 313900.
X-linked severe congenital neutropenia (SCNX). Identifiers: Orphanet 86788, MedGen C1845987, MONDO:0010294, OMIM 300299.

Submission:

Labcorp Genetics (formerly Invitae), Labcorp
Classification: Pathogenic for Wiskott-Aldrich syndrome; X-linked severe congenital neutropenia; Thrombocytopenia 1. Last evaluated: 2024-02-24. Review status: criteria provided, single submitter. Criteria: Invitae Variant Classification Sherloc (09022015). Collection method: clinical testing. Allele origin: germline.
Comment: This sequence change creates a premature translational stop signal (p.Pro402Argfs*43) in the WAS gene. It is expected to result in an absent or disrupted protein product. Loss-of-function variants in WAS are known to be pathogenic (PMID: 15284122). This variant is not present in population databases (gnomAD no frequency). This variant has not been reported in the literature in individuals affected with WAS-related conditions. ClinVar contains an entry for this variant (Variation ID: 2113185). For these reasons, this variant has been classified as Pathogenic.

Literature cited by the submitters: PubMed 15284122.